The following is an entry in ClinVar:

NM_000702.4(ATP1A2):c.1417C>T (p.Pro473Ser)

Gene: ATP1A2 (ATPase Na+/K+ transporting subunit alpha 2; plus strand). Cytogenetic location: 1q23.2.
Variant type: single nucleotide variant.
Coding change: c.1417C>T on transcript NM_000702.4 (MANE Select); coding-DNA position 1417, C replaced by T.
Protein change: p.Pro473Ser; replaces proline 473 with serine.
Molecular consequence: missense variant.
Genome position (GRCh38, 1-based): chr1:160,129,356, C>T. VCF-style: chr1-160129356-C-T. GRCh37 (hg19) VCF-style: chr1-160099146-C-T.
Other names: short protein forms P473S.
Identifiers: ClinVar variation 2633583 (VCV002633583.2), dbSNP rs1045596574, ClinGen allele CA31497122.
Genomic context (GRCh38, chr1:160,129,356, plus strand): 5'-GCTCTGCTCAAGTGCATTGAGCTCTCCTGTGGCTCAGTGAGGAAAATGAGAGACAGAAAC[C>T]CCAAGGTGGCAGAGATTCCTTTCAACTCTACCAACAAGTACCAGGTCTGCTTGGGTTGCC-3'
Protein context (NP_000693.1, residues 463-483): GSVRKMRDRN[Pro473Ser]KVAEIPFNST

ClinVar aggregate classification (germline): Uncertain significance. Review status: criteria provided, multiple submitters, no conflicts (2 of 4 stars). 2 submissions from 2 submitters: Uncertain significance (2). Last evaluated 2026-07-13.

Conditions:
Inborn genetic diseases. Identifiers: MedGen C0950123, MeSH D030342.
ATP1A2-related disorder. Also called: ATP1A2-related condition; ATP1A2-RELATED DISORDERS.

Submissions (2):

Ambry Genetics
Classification: Uncertain significance for Inborn genetic diseases. Last evaluated: 2026-07-13. Review status: criteria provided, single submitter. Criteria: Ambry Variant Classification Scheme 2023. Collection method: clinical testing. Allele origin: germline.

PreventionGenetics, part of Exact Sciences
Classification: Uncertain significance for ATP1A2-related condition. Last evaluated: 2023-03-13. Review status: criteria provided, single submitter. Criteria: ACMG Guidelines, 2015. Collection method: clinical testing. Allele origin: germline.
Comment: The ATP1A2 c.1417C>T variant is predicted to result in the amino acid substitution p.Pro473Ser. To our knowledge, this variant has not been reported in the literature or in a large population database, indicating this variant is rare. At this time, the clinical significance of this variant is uncertain due to the absence of conclusive functional and genetic evidence.